The following is an entry in ClinVar:

NM_024744.17(CARF):c.2146dup (p.Thr716fs)

Gene: CARF (calcium responsive transcription factor; plus strand). Cytogenetic location: 2q33.2.
Variant type: Duplication.
Coding change: c.2146dup on transcript NM_024744.17 (MANE Select); coding-DNA position 2146, one base duplicated (A; older notation c.2146dupA).
Protein change: p.Thr716fs; shifts the reading frame from threonine 716.
Molecular consequence: frameshift variant. On other transcripts: non-coding transcript variant (4), 3 prime UTR variant (1).
Genome position (GRCh38, 1-based): chr2:202,983,592, A duplicated; the last of 8 consecutive A bases (chr2:202,983,585-202,983,592); duplicating any one gives the same sequence. VCF-style (leftmost placement, unchanged base first): chr2-202983584-C-CA. GRCh37 (hg19) VCF-style: chr2-203848307-C-CA.
Other names: c.1114dup, p.Thr372fs (NM_001352679.2, NM_001352678.2); c.2146dup, p.Thr716fs (NM_001104586.4, NM_001322427.3, NM_001322428.3); c.1918dup, p.Thr640fs (NM_001282910.3, NM_001282911.3); c.1882dup, p.Thr628fs (NM_001282912.3); c.2110dup, p.Thr704fs (NM_001322429.3); c.1588dup, p.Thr530fs (NM_001352676.2); c.*54dup (NM_001352677.2); short protein forms T628fs, T640fs, T716fs, T530fs, T704fs, T372fs.
Identifiers: ClinVar variation 714941 (VCV000714941.11), dbSNP rs201520695, ClinGen allele CA2063329.

ClinVar aggregate classification (germline): Likely benign. Review status: criteria provided, multiple submitters, no conflicts (2 of 4 stars). 2 submissions from 2 submitters: Likely benign (2). Last evaluated 2025-07-01.

Submissions (2):

CeGaT Center for Human Genetics Tuebingen
Classification: Likely benign. Last evaluated: 2025-07-01. Review status: criteria provided, single submitter. Criteria: CeGaT Center For Human Genetics Tuebingen Variant Classification Criteria Version 2. Collection method: clinical testing. Allele origin: germline. Affected: yes. Observed: 1 variant allele.
Comment: CARF: BS2

Labcorp Genetics (formerly Invitae), Labcorp
Classification: Likely benign. Last evaluated: 2018-08-23. Review status: criteria provided, single submitter. Criteria: Invitae Variant Classification Sherloc (09022015). Collection method: clinical testing. Allele origin: germline.